The following is an entry in ClinVar:

NM_152618.3(BBS12):c.1913A>G (p.Asn638Ser)

Gene: BBS12 (Bardet-Biedl syndrome 12; plus strand). Cytogenetic location: 4q27.
Variant type: single nucleotide variant.
Coding change: c.1913A>G on transcript NM_152618.3 (MANE Select); coding-DNA position 1913, A replaced by G.
Protein change: p.Asn638Ser; replaces asparagine 638 with serine.
Molecular consequence: missense variant.
Genome position (GRCh38, 1-based): chr4:122,743,805, A>G. VCF-style: chr4-122743805-A-G. GRCh37 (hg19) VCF-style: chr4-123664960-A-G.
Other names: c.1913A>G, p.Asn638Ser (NM_001178007.2); c.1913A>G (NM_152618.2); short protein forms N638S.
Identifiers: ClinVar variation 1423993 (VCV001423993.8), dbSNP rs931117746, ClinGen allele CA105249233.

ClinVar aggregate classification (germline): Uncertain significance. Review status: criteria provided, multiple submitters, no conflicts (2 of 4 stars). 3 submissions from 3 submitters: Uncertain significance (3). Last evaluated 2026-03-11.

Conditions:
Bardet-Biedl syndrome 12 (BBS12). Identifiers: Orphanet 110, MedGen C1859570, MONDO:0014440, OMIM 615989.
BBS12-related disorder. Also called: BBS12-related condition.
Bardet-Biedl syndrome (BBS). Identifiers: Orphanet 110, MedGen C0752166, MONDO:0015229.

Allele frequency attached by ClinVar (database versions not stated): TOPMed 0.00001; gnomAD exomes 0.00002 and 0.00003.
gnomAD v4.1: 10 of 1,613,294 alleles (0.00062%); highest among the groups gnomAD compares: Admixed American, 0.017%; no homozygotes.

Submissions (3):

PreventionGenetics, part of Exact Sciences
Classification: Uncertain significance for BBS12-related condition. Last evaluated: 2026-03-11. Review status: criteria provided, single submitter. Criteria: ACMG Guidelines, 2015. Collection method: clinical testing. Allele origin: germline.
Comment: The BBS12 c.1913A>G variant is predicted to result in the amino acid substitution p.Asn638Ser. To our knowledge, this variant has not been reported in the literature. This variant is reported in 0.023% of alleles in individuals of Latino descent in gnomAD. At this time, the clinical significance of this variant is uncertain due to the absence of conclusive functional and genetic evidence.

Labcorp Genetics (formerly Invitae), Labcorp
Classification: Uncertain significance for Bardet-Biedl syndrome. Last evaluated: 2024-11-05. Review status: criteria provided, single submitter. Criteria: Invitae Variant Classification Sherloc (09022015). Collection method: clinical testing. Allele origin: germline.
Comment: This sequence change replaces asparagine, which is neutral and polar, with serine, which is neutral and polar, at codon 638 of the BBS12 protein (p.Asn638Ser). This variant is present in population databases (no rsID available, gnomAD 0.02%). This variant has not been reported in the literature in individuals affected with BBS12-related conditions. ClinVar contains an entry for this variant (Variation ID: 1423993). Invitae Evidence Modeling of protein sequence and biophysical properties (such as structural, functional, and spatial information, amino acid conservation, physicochemical variation, residue mobility, and thermodynamic stability) indicates that this missense variant is not expected to disrupt BBS12 protein function with a negative predictive value of 80%. In summary, the available evidence is currently insufficient to determine the role of this variant in disease. Therefore, it has been classified as a Variant of Uncertain Significance.

Fulgent Genetics
Classification: Uncertain significance for Bardet-Biedl syndrome 12. Last evaluated: 2021-12-20. Review status: criteria provided, single submitter. Criteria: ACMG Guidelines, 2015. Collection method: clinical testing. Allele origin: unknown.